The following is an entry in ClinVar:

ClinVar aggregate classification (germline): Uncertain significance (1 of 4 stars; one submission).

Conditions:
Neuronal ceroid lipofuscinosis. Also called: Neuronal Ceroid Lipofuscinoses. Identifiers: Orphanet 216, Orphanet 79263, MedGen C0027877, MONDO:0016295. Disease mechanism: loss of function.

Submission:

Labcorp Genetics (formerly Invitae), Labcorp
Classification: Uncertain significance for Neuronal ceroid lipofuscinosis. Last evaluated: 2021-12-13. Review status: criteria provided, single submitter. Criteria: Invitae Variant Classification Sherloc (09022015). Collection method: clinical testing. Allele origin: germline.
Comment: Algorithms developed to predict the effect of missense changes on protein structure and function are either unavailable or do not agree on the potential impact of this missense change (SIFT: "Deleterious"; PolyPhen-2: "Probably Damaging"; Align-GVGD: "Class C0"). In summary, the available evidence is currently insufficient to determine the role of this variant in disease. Therefore, it has been classified as a Variant of Uncertain Significance. This variant has not been reported in the literature in individuals affected with CLN5-related conditions. This variant is not present in population databases (gnomAD no frequency). This sequence change replaces glycine, which is neutral and non-polar, with glutamic acid, which is acidic and polar, at codon 12 of the CLN5 protein (p.Gly12Glu).

NC_000013.11:g.76991986G>A

Gene: CLN5 (CLN5 lysosomal BMP synthase; plus strand). Cytogenetic location: 13q22.3.
Variant type: single nucleotide variant.
Genome position: GRCh38 VCF-style: chr13-76991986-G-A. GRCh37 (hg19) VCF-style: chr13-77566121-G-A.
Identifiers: ClinVar variation 1439867 (VCV001439867.6), dbSNP rs1465531119, ClinGen allele CA388305687.